The following is an entry in ClinVar:

NM_001453.3(FOXC1):c.1179C>G (p.Tyr393Ter)

Gene: FOXC1 (forkhead box C1; plus strand). Cytogenetic location: 6p25.3.
Variant type: single nucleotide variant.
Coding change: c.1179C>G on transcript NM_001453.3 (MANE Select); coding-DNA position 1179, C replaced by G.
Protein change: p.Tyr393Ter; replaces tyrosine 393 with a stop codon.
Molecular consequence: nonsense.
Genome position (GRCh38, 1-based): chr6:1,611,624, C>G. VCF-style: chr6-1611624-C-G. GRCh37 (hg19) VCF-style: chr6-1611859-C-G.
Other names: c.1179C>G (NM_001453.2); short protein forms Y393*.
Identifiers: ClinVar variation 2711419 (VCV002711419.4), dbSNP rs2480506067, ClinGen allele CA362560375.

ClinVar aggregate classification (germline): Pathogenic/Likely pathogenic. Review status: criteria provided, multiple submitters, no conflicts (2 of 4 stars). 2 submissions from 2 submitters: Pathogenic (1); Likely pathogenic (1). Last evaluated 2025-06-04.

Conditions:
Axenfeld-Rieger syndrome type 3 (RIEG3). Also called: AXENFELD-RIEGER ANOMALY WITH CARDIAC DEFECTS AND/OR SENSORINEURAL HEARING LOSS. Identifiers: Orphanet 782, MedGen C2678503, MONDO:0011233, OMIM 602482.

Submissions (2):

GeneDx
Classification: Likely pathogenic. Last evaluated: 2025-06-04. Review status: criteria provided, single submitter. Criteria: GeneDx Variant Classification Process June 2021. Collection method: clinical testing. Allele origin: germline. Affected: yes.
Comment: Nonsense variant predicted to result in protein truncation, as the last 161 amino acids are lost, and other loss-of-function variants have been reported downstream in HGMD; Not observed at significant frequency in large population cohorts (gnomAD); Has not been previously published as pathogenic or benign to our knowledge

Labcorp Genetics (formerly Invitae), Labcorp
Classification: Pathogenic for Axenfeld-Rieger syndrome type 3. Last evaluated: 2024-01-25. Review status: criteria provided, single submitter. Criteria: Invitae Variant Classification Sherloc (09022015). Collection method: clinical testing. Allele origin: germline.
Comment: This sequence change creates a premature translational stop signal (p.Tyr393*) in the FOXC1 gene. While this is not anticipated to result in nonsense mediated decay, it is expected to disrupt the last 161 amino acid(s) of the FOXC1 protein. The frequency data for this variant in the population databases is considered unreliable, as metrics indicate insufficient coverage at this position in the gnomAD database. This variant has not been reported in the literature in individuals affected with FOXC1-related conditions. This variant disrupts a region of the FOXC1 protein in which other variant(s) (p.Tyr497*) have been determined to be pathogenic (PMID: 28513611; Invitae). This suggests that this is a clinically significant region of the protein, and that variants that disrupt it are likely to be disease-causing. For these reasons, this variant has been classified as Pathogenic.

Literature cited by the submitters: PubMed 28513611 (cited by Labcorp Genetics (formerly Invitae), Labcorp).